The following is an entry in ClinVar:

NM_178170.3(NEK8):c.877_878dup (p.Arg294fs)

Gene: NEK8 (NIMA related kinase 8; plus strand). Cytogenetic location: 17q11.2.
Variant type: Microsatellite.
Coding change: c.877_878dup on transcript NM_178170.3 (MANE Select); coding-DNA positions 877 to 878, 2 bases duplicated (GT; older notation c.877_878dupGT).
Protein change: p.Arg294fs; shifts the reading frame from arginine 294.
Molecular consequence: frameshift variant.
Genome position (GRCh38, 1-based): chr17:28,737,724-28,737,725, GT duplicated; duplicating any 2 consecutive bases within chr17:28,737,722-28,737,725 gives the same sequence; the c. name uses the placement nearest the transcript's 3' end. VCF-style (leftmost placement, unchanged base first): chr17-28737721-A-AGT. GRCh37 (hg19) VCF-style: chr17-27064739-A-AGT.
Other names: c.877_878dupGT (NM_178170.3); short protein forms R294fs.
Identifiers: ClinVar variation 4845749 (VCV004845749.1).

ClinVar aggregate classification (germline): Likely pathogenic (1 of 4 stars; one submission).

Conditions:
Renal-hepatic-pancreatic dysplasia 2 (RHPD2). Identifiers: MedGen C3809434, MONDO:0014174, OMIM 615415.

Submission:

First Genomix Gene Laboratory, Genetic Diagnostics Department
Classification: Likely pathogenic for Renal-hepatic-pancreatic dysplasia 2. Last evaluated: 2025-01-10. Review status: criteria provided, single submitter. Criteria: ACMG Guidelines, 2015. Collection method: clinical testing. Allele origin: germline. Inheritance: Autosomal recessive inheritance. Affected: no. Observed: 1 variant allele.